The following is an entry in ClinVar:

ClinVar aggregate classification (germline): Uncertain significance (1 of 4 stars; one submission).

Submission:

GeneDx
Classification: Uncertain significance. Last evaluated: 2024-08-21. Review status: criteria provided, single submitter. Criteria: GeneDx Variant Classification Process June 2021. Collection method: clinical testing. Allele origin: germline. Affected: yes.
Comment: In silico analysis supports that this missense variant has a deleterious effect on protein structure/function; Has not been previously published as pathogenic or benign to our knowledge

NM_004230.4(S1PR2):c.136G>A (p.Ala46Thr)

Gene: S1PR2 (sphingosine-1-phosphate receptor 2; minus strand). Cytogenetic location: 19p13.2.
Variant type: single nucleotide variant.
Coding change: c.136G>A on transcript NM_004230.4 (MANE Select); coding-DNA position 136, G replaced by A.
Protein change: p.Ala46Thr; replaces alanine 46 with threonine.
Molecular consequence: missense variant.
Genome position (GRCh38, 1-based): chr19:10,224,770, C>T on the plus strand (G>A on the coding strand, the complement: S1PR2 is on the minus strand). VCF-style: chr19-10224770-C-T. GRCh37 (hg19) VCF-style: chr19-10335446-C-T.
Other names: short protein forms A46T.
Identifiers: ClinVar variation 3764403 (VCV003764403.1).